The following is an entry in ClinVar:

NC_000009.12:g.35658025_35658040dup

Gene: RMRP (RNA component of mitochondrial RNA processing endoribonuclease; minus strand). Cytogenetic location: 9p13.3.
Variant type: Duplication.
Genome position: GRCh38 VCF-style: chr9-35658024-C-CTCAGCTTCACAGAGTA. GRCh37 (hg19) VCF-style: chr9-35658021-C-CTCAGCTTCACAGAGTA.
Identifiers: ClinVar variation 1452775 (VCV001452775.6), dbSNP rs2131809894, ClinGen allele CA2573144653.

ClinVar aggregate classification (germline): Pathogenic (1 of 4 stars; one submission).

Conditions:
Anauxetic dysplasia. Identifiers: Orphanet 93347, MedGen C1846796, MONDO:0011773.

Allele frequency attached by ClinVar (database versions not stated): gnomAD exomes 0.00001.

Submission:

Labcorp Genetics (formerly Invitae), Labcorp
Classification: Pathogenic for Anauxetic dysplasia. Last evaluated: 2021-10-08. Review status: criteria provided, single submitter. Criteria: Invitae Variant Classification Sherloc (09022015). Collection method: clinical testing. Allele origin: germline.
Comment: For these reasons, this variant has been classified as Pathogenic. The frequency data for this variant in the population databases is considered unreliable, as metrics indicate insufficient coverage at this position in the ExAC database. This variant occurs in the RMRP gene, which encodes an RNA molecule that does not result in a protein product. While this particular variant has not been reported in the literature, it is located in the promoter region between the TATA box and the transcription initiation site, and other insertions and duplications immediately upstream of the coding sequence have been reported in individuals affected with cartilage-hair hypoplasia-anauxetic dysplasia (CHH-AD) spectrum disorders (PMID: 16244706, 11207361, 12107819). While functional studies for this variant have not been reported, experimental analyses using patient derived cells, as well as in vitro transfection studies, have shown that promoter insertions result in silencing of RMRP transcription and reduced expression of the gene product (PMID: 11207361, 16254002).

Literature cited by the submitters: PubMed 16244706; PubMed 11207361; PubMed 12107819; PubMed 16254002.